The following is an entry in ClinVar:

NM_033343.4(LHX4):c.778+4A>G

Genes: ACBD6 (acyl-CoA binding domain containing 6; minus strand), LHX4 (LIM homeobox 4; plus strand), LHX4-AS1 (LHX4 antisense RNA 1; minus strand). Cytogenetic location: 1q25.2.
Variant type: single nucleotide variant.
Coding change: c.778+4A>G on transcript NM_033343.4 (MANE Select); 4 bases into the intron after coding-DNA position 778, A replaced by G.
Molecular consequence: intron variant.
Genome position (GRCh38, 1-based): chr1:180,272,010, A>G. VCF-style: chr1-180272010-A-G. GRCh37 (hg19) VCF-style: chr1-180241145-A-G.
Identifiers: ClinVar variation 4887236 (VCV004887236.1).

ClinVar aggregate classification (germline): Uncertain significance (1 of 4 stars; one submission).

Submission:

Women's Health and Genetics/Laboratory Corporation of America, LabCorp
Classification: Uncertain significance. Last evaluated: 2026-06-15. Review status: criteria provided, single submitter. Criteria: LabCorp Variant Classification Summary - May 2015. Collection method: clinical testing. Allele origin: germline.
Comment: Variant summary: LHX4 c.778+4A>G alters a conserved nucleotide located close to a canonical splice site and therefore could affect mRNA splicing, leading to a significantly altered protein sequence. Several computational tools predict a significant impact on normal splicing: Four predict the variant weakens a 5' donor site. However, these predictions have yet to be confirmed by functional studies. The variant was absent in 249116 control chromosomes. The available data on variant occurrences in the general population are insufficient to allow any conclusion about variant significance. To our knowledge, no occurrence of c.778+4A>G in individuals affected with LHX4-related conditions and no experimental evidence demonstrating its impact on protein function have been reported. No submitters have cited clinical-significance assessments for this variant to ClinVar. Based on the evidence outlined above, the variant was classified as uncertain significance.